The following is an entry in ClinVar:

ClinVar aggregate classification (germline): Uncertain significance (1 of 4 stars; one submission).

Conditions:
Cardiovascular phenotype. Identifiers: MedGen CN230736.
Hereditary cancer-predisposing syndrome. Also called: Neoplastic Syndromes, Hereditary; Tumor predisposition; Hereditary Cancer Syndrome; Hereditary neoplastic syndrome. Identifiers: Orphanet 140162, MedGen C0027672, MeSH D009386, MONDO:0015356.

gnomAD v4.1: 1 of 1,612,774 alleles (0.000062%); highest among the groups gnomAD compares: Non-Finnish European, 0.000085%; no homozygotes.

Submission:

Ambry Genetics
Classification: Uncertain significance for Cardiovascular phenotype; Hereditary cancer-predisposing syndrome. Last evaluated: 2026-06-06. Review status: criteria provided, single submitter. Criteria: Ambry Variant Classification Scheme 2023. Collection method: clinical testing. Allele origin: germline.
Comment: The p.V463F variant (also known as c.1387G>T), located in coding exon 13 of the LZTR1 gene, results from a G to T substitution at nucleotide position 1387. The valine at codon 463 is replaced by phenylalanine, an amino acid with highly similar properties. This amino acid position is conserved. In addition, this alteration is predicted to be deleterious by in silico analysis. Based on the available evidence, the clinical significance of this variant remains unclear.

NM_006767.4(LZTR1):c.1387G>T (p.Val463Phe)

Gene: LZTR1 (leucine zipper like post translational regulator 1; plus strand). Cytogenetic location: 22q11.21.
Variant type: single nucleotide variant.
Coding change: c.1387G>T on transcript NM_006767.4 (MANE Select); coding-DNA position 1387, G replaced by T.
Protein change: p.Val463Phe; replaces valine 463 with phenylalanine.
Molecular consequence: missense variant.
Genome position (GRCh38, 1-based): chr22:20,993,957, G>T. VCF-style: chr22-20993957-G-T. GRCh37 (hg19) VCF-style: chr22-21348246-G-T.
Other names: short protein forms V463F.
Identifiers: ClinVar variation 4859430 (VCV004859430.1).
Genomic context (GRCh38, chr22:20,993,957, plus strand): 5'-TCTGCCAGTGCATCATTCTTTGTGCAGAAGGAGGAGTGCGTGCAGGGCCACGTAGCCATT[G>T]TCACAGCGCGGAGCCGCTGGCTTCGCAGGAAGATCACGCAGGCGCGGGAGAGGCTGGCCC-3'
Protein context (NP_006758.2, residues 453-473): EECVQGHVAI[Val463Phe]TARSRWLRRK